The following continues an entry in ClinVar:

NM_003126.4(SPTA1):c.4339-99C>T

Gene: SPTA1. ClinVar aggregate classification (germline): Pathogenic/Likely pathogenic. Pathogenic (17); Likely pathogenic (1).

Submissions 13 to 19 of 19:

GeneDx
Classification: Pathogenic. Last evaluated: 2024-06-28. Review status: criteria provided, single submitter. Criteria: GeneDx Variant Classification Process June 2021. Collection method: clinical testing. Allele origin: germline. Affected: yes.
Comment: Published functional studies demonstrate that this variant leads to aberrant splicing that reduces protein level (PMID: 8941647, 31038472); Also referred to as alpha spectrin LEPRA; This variant is associated with the following publications: (PMID: 8941647, 25753074, 27292444, 31333484, 31038472, 34426522, 32436265, 34845540, 38069343, 37565283, 38434532)

Department of Pathology and Laboratory Medicine, Sinai Health System
Classification: Likely pathogenic for Hereditary spherocytosis type 3. Last evaluated: 2023-10-16. Review status: criteria provided, single submitter. Criteria: ACMG Guidelines, 2015. Collection method: research. Allele origin: germline.

3billion
Classification: Pathogenic for Pyropoikilocytosis, hereditary. Last evaluated: 2023-02-23. Review status: criteria provided, single submitter. Criteria: ACMG Guidelines, 2015. Collection method: clinical testing. Allele origin: unknown. Affected: yes.
Comment: It is observed in the gnomAD v2.1.1 dataset at total allele frequency of 0.494%. Predicted Consequence/Location: Intron variant. Functional studies provide strong evidence of the variant having a damaging effect on the gene or gene product (PMID: 31333484, 8941647). In silico tools do not predict the variant to alter splicing and produce an abnormal transcript (SpliceAI: 0.14). The variant has been reported at least twice as pathogenic with clinical assertions and evidence for the classification (ClinVar ID: VCV001030630 / PMID: 8941647). Therefore, this variant is classified as Pathogenic according to the recommendation of ACMG/AMP guideline.

Mendelics
Classification: Pathogenic for Elliptocytosis 2. Last evaluated: 2022-05-04. Review status: criteria provided, single submitter. Criteria: Mendelics Assertion Criteria 2019. Collection method: clinical testing. Allele origin: germline.

Fulgent Genetics
Classification: Pathogenic for Elliptocytosis 2; Pyropoikilocytosis, hereditary; Hereditary spherocytosis type 3. Last evaluated: 2021-09-10. Review status: criteria provided, single submitter. Criteria: ACMG Guidelines, 2015. Collection method: clinical testing. Allele origin: unknown.

Laboratory for Molecular Medicine, Mass General Brigham Personalized Medicine
Classification: Pathogenic for Hereditary spherocytosis. Last evaluated: 2020-05-19. Review status: criteria provided, single submitter. Criteria: LMM Criteria. Collection method: clinical testing. Allele origin: germline. Inheritance: Autosomal recessive inheritance. Observed: 1 variant allele.
Comment: The c.4339-99C>T variant in SPTA1 (also known as Î±-LEPRA) has been reported in the homozygous or compound heterozygous state in >15 individuals with hereditary spherocytosis (Wichterle 1996 PMID:8941647, Chonat 2019 PMID:31333484, van Vuren 2019 PMID:31723846, Gallagher 2019 PMID:31038472, Huisjes 2020 PMID:31147440) and segregated with disease in at least one affected family member (Delaunay 2004 PMID:15384986). It has also been identified in 0.85% (131/15422) of European chromosomes, including 2 homozygous individuals, by gnomAD. In vitro functional studies suggest that this variant impacts splicing, leading to a frameshift and reduced protein expression (Wichterle 1996 PMID:8941647, Gallagher 2019 PMID:31038472). Consistent with the fact that some wild type protein is still expressed from alleles with this variant, homozygous individuals typically have milder presentations than those who carry c.4339-99C>T in trans with a null allele (Agre 1985 PMID:3982506, van Vuren 2019 PMID: 31723846, Gallagher 2019 PMID:31038472). In summary, this variant meets criteria to be classified as pathogenic for autosomal recessive hereditary spherocytosis; however, it is considered to be a milder allele. ACMG/AMP Criteria applied: PM3_VeryStrong, PS3_Moderate, PP1.

OMIM
Classification: Pathogenic for SPHEROCYTOSIS, TYPE 3, DUE TO SPECTRIN LEPRA. Last evaluated: 1996-11-15. Review status: no assertion criteria provided. Collection method: literature only. Allele origin: germline. Not counted in ClinVar's aggregate classification.

Literature cited by the submitters: PubMed 8941647 (cited by 7 submitters); PubMed 15384986 (cited by Dasa and Labcorp Genetics (formerly Invitae), Labcorp); PubMed 31333484 (cited by 5 submitters); PubMed 31723846 (cited by Dasa and Laboratory for Molecular Medicine, Mass General Brigham Personalized Medicine); PubMed 31038472 (cited by 3 submitters); PubMed 31147440 (cited by Dasa and Laboratory for Molecular Medicine, Mass General Brigham Personalized Medicine); PubMed 32436265 (cited by Center for Genomic Medicine, Rigshospitalet, Copenhagen University Hospital); PubMed 27667160 (cited by Victorian Clinical Genetics Services, Murdoch Childrens Research Institute); PubMed 31364155 (cited by Victorian Clinical Genetics Services, Murdoch Childrens Research Institute); PubMed 18218854 (cited by Victorian Clinical Genetics Services, Murdoch Childrens Research Institute); PubMed 27292444 (cited by Laboratory for Molecular Medicine, Mass General Brigham Personalized Medicine).